The following is an entry in ClinVar:

ClinVar aggregate classification (germline): Conflicting classifications of pathogenicity. Review status: criteria provided, conflicting classifications (1 of 4 stars). 5 submissions from 5 submitters: Pathogenic (1); Likely pathogenic (2); Uncertain significance (2). Last evaluated 2025-05-28.

Conditions:
Cardiovascular phenotype. Identifiers: MedGen CN230736.
Arrhythmogenic right ventricular dysplasia 10. Also called: Arrhythmogenic right ventricular dysplasia/cardiomyopathy, type 10; Arrhythmogenic Right Ventricular Dysplasia/Cardiomyopathy10; ARRHYTHMOGENIC RIGHT VENTRICULAR DYSPLASIA, FAMILIAL, 10. Identifiers: MedGen C1857777, MONDO:0012434, OMIM 610193.
Dilated cardiomyopathy 1BB (CMD1BB). Also called: CARDIOMYOPATHY, DILATED, 1BB, SUSCEPTIBILITY TO. Identifiers: Orphanet 154, MedGen C2752072, MONDO:0013030, OMIM 612877.
Arrhythmogenic right ventricular cardiomyopathy (ARVD). Also called: Arrhythmogenic cardiomyopathy; Arrhythmogenic Right Ventricular Cardiomyopathy (ARVC); Cardiomyopathy, ARVC; Arrhythmogenic right ventricular dysplasia. Identifiers: Orphanet 247, MedGen C0349788, MeSH D019571, MONDO:0016587. Disease mechanism: loss of function. Inheritance: Various modes of inheritance.

Submissions (5):

Ambry Genetics
Classification: Pathogenic for Cardiovascular phenotype. Last evaluated: 2025-05-28. Review status: criteria provided, single submitter. Criteria: Ambry Variant Classification Scheme 2023. Collection method: clinical testing. Allele origin: germline.
Comment: The c.1109dupC (p.T371Yfs*19) alteration, located in exon 9 (coding exon 9) of the DSG2 gene, consists of a duplication of C at position 1109, causing a translational frameshift with a predicted alternate stop codon after 19 amino acids. This alteration is expected to result in loss of function by premature protein truncation or nonsense-mediated mRNA decay. This variant was not reported in population-based cohorts in the Genome Aggregation Database (gnomAD). This variant was detected in a cardiomyopathy/arrhythmia genetic testing cohort; however, clinical details were limited, and additional cardiac variants were detected in some cases (van Lint, 2019). Based on the available evidence, this alteration is classified as pathogenic.

GeneDx
Classification: Likely pathogenic. Last evaluated: 2024-06-03. Review status: criteria provided, single submitter. Criteria: GeneDx Variant Classification Process June 2021. Collection method: clinical testing. Allele origin: germline. Affected: yes.
Comment: Reported in an individual undergoing whole exome sequencing in published literature; although the indications for testing and follow-up cardiac evaluations were not described (PMID: 30122538); Frameshift variant predicted to result in protein truncation or nonsense mediated decay in a gene for which loss of function is a known mechanism of disease; Not observed at significant frequency in large population cohorts (gnomAD); This variant is associated with the following publications: (PMID: 30122538)

Fulgent Genetics
Classification: Likely pathogenic for Arrhythmogenic right ventricular dysplasia 10; Dilated cardiomyopathy 1BB. Last evaluated: 2024-01-05. Review status: criteria provided, single submitter. Criteria: ACMG Guidelines, 2015. Collection method: clinical testing. Allele origin: germline.

All of Us Research Program, National Institutes of Health
Classification: Uncertain significance for Arrhythmogenic right ventricular cardiomyopathy. Last evaluated: 2023-04-03. Review status: criteria provided, single submitter. Criteria: ACMG Guidelines, 2015. Collection method: clinical testing. Allele origin: germline. Inheritance: Autosomal dominant inheritance. Observed: 2 variant alleles, 2 heterozygotes.
Comment: This variant inserts 1 nucleotide in exon 9 of the DSG2 gene, creating a frameshift and premature translation stop signal. This variant is expected to result in an absent or non-functional protein product. To our knowledge, this variant has not been reported in individuals affected with cardiovascular disorders in the literature. This variant has not been identified in the general population by the Genome Aggregation Database (gnomAD). Although there is a suspicion for a pathogenic role, clinical significance of loss-of-function DSG2 variants in autosomal dominant arrhythmogenic cardiomyopathy is not yet clearly established. The available evidence is insufficient to determine the role of this variant in disease conclusively. Therefore, this variant is classified as a Variant of Uncertain Significance.

This study involves interpretation of variants in research participants for the purpose of population health screening. Participant phenotype was not available at the time of variant classification. Additional details can be found in publication PMID: 35346344, PMCID: PMC8962531

Laboratory for Molecular Medicine, Mass General Brigham Personalized Medicine
Classification: Uncertain significance. Last evaluated: 2017-12-07. Review status: criteria provided, single submitter. Criteria: LMM Criteria. Collection method: clinical testing. Allele origin: germline. Observed: 4 variant alleles.
Comment: Variant classified as Uncertain Significance - Favor Pathogenic. The p.Thr371fs variant in DSG2 has not been previously reported in individuals with cardiomyopa thy and was absent from large population studies. This variant is predicted to c ause a frameshift, which alters the protein?s amino acid sequence beginning at p osition 371 and leads to a premature termination codon 19 amino acids downstream . This alteration is then predicted to lead to a truncated or absent protein. Fr ameshift and other loss of function variants in DSG2 gene have been reported in individuals with ARVC. In summary, while there is some suspicion for a pathogeni c role, the clinical significance of the p.Thr371fs variant is uncertain.

Literature cited by the submitters: PubMed 30847666 (cited by Ambry Genetics).

NM_001943.5(DSG2):c.1109dup (p.Thr371fs)

Gene: DSG2 (desmoglein 2; plus strand). Cytogenetic location: 18q12.1.
Variant type: Duplication.
Coding change: c.1109dup on transcript NM_001943.5 (MANE Select); coding-DNA position 1109, one base duplicated (C; older notation c.1109dupC).
Protein change: p.Thr371fs; shifts the reading frame from threonine 371.
Molecular consequence: frameshift variant.
Genome position (GRCh38, 1-based): chr18:31,531,081, C duplicated; the last of 2 consecutive C bases (chr18:31,531,080-31,531,081); duplicating either gives the same sequence. VCF-style (leftmost placement, unchanged base first): chr18-31531079-G-GC. GRCh37 (hg19) VCF-style: chr18-29111042-G-GC.
Other names: p.Thr371TyrfsX19; c.1109_1110insC (LRG_397t1, NM_001943.3); c.1109dupC (NM_001943.3); short protein forms T371fs.
Identifiers: ClinVar variation 504878 (VCV000504878.12), dbSNP rs1555627118, ClinGen allele CA658799019.
Genomic context (GRCh38, chr18:31,531,079, plus strand): 5'-CTTCAGTGTTATTGTCGCTAATAAAGCAGCTTTTCACAAGTCGATTAGGAGTAAATACAA[G>GC]CCTACACCCATTCCCATCAAGGTCAAAGTGAAAAATGTGAAAGAAGGCATTCATTTTAAA-3'